The following is an entry in ClinVar:

NM_001040716.2(PC):c.1217G>A (p.Arg406His)

Gene: PC (pyruvate carboxylase; minus strand). Cytogenetic location: 11q13.2.
Variant type: single nucleotide variant.
Coding change: c.1217G>A on transcript NM_001040716.2 (MANE Select); coding-DNA position 1217, G replaced by A.
Protein change: p.Arg406His; replaces arginine 406 with histidine.
Molecular consequence: missense variant.
Genome position (GRCh38, 1-based): chr11:66,863,925, C>T on the plus strand (G>A on the coding strand, the complement: PC is on the minus strand). VCF-style: chr11-66863925-C-T. GRCh37 (hg19) VCF-style: chr11-66631396-C-T.
Other names: c.1217G>A, p.Arg406His (NM_000920.4, NM_022172.3); short protein forms R406H.
Identifiers: ClinVar variation 1800830 (VCV001800830.1), dbSNP rs2495675814, ClinGen allele CA381498951.

ClinVar aggregate classification (germline): Uncertain significance (1 of 4 stars; one submission).

Allele frequency attached by ClinVar (database versions not stated): gnomAD exomes below 0.00001.
gnomAD v4.1: 3 of 1,613,962 alleles (0.00019%); highest among the groups gnomAD compares: Non-Finnish European, 0.00025%; no homozygotes.

Submission:

GeneDx
Classification: Uncertain significance. Last evaluated: 2022-05-23. Review status: criteria provided, single submitter. Criteria: GeneDx Variant Classification Process June 2021. Collection method: clinical testing. Allele origin: germline. Affected: yes.
Comment: Not observed at significant frequency in large population cohorts (gnomAD); In silico analysis supports that this missense variant has a deleterious effect on protein structure/function; Has not been previously published as pathogenic or benign to our knowledge